The following is an entry in ClinVar:

NM_004329.3(BMPR1A):c.221A>G (p.Asn74Ser)

Gene: BMPR1A (bone morphogenetic protein receptor type 1A; plus strand). Cytogenetic location: 10q23.2.
Variant type: single nucleotide variant.
Coding change: c.221A>G on transcript NM_004329.3 (MANE Select); coding-DNA position 221, A replaced by G.
Protein change: p.Asn74Ser; replaces asparagine 74 with serine.
Molecular consequence: missense variant.
Genome position (GRCh38, 1-based): chr10:86,890,215, A>G. VCF-style: chr10-86890215-A-G. GRCh37 (hg19) VCF-style: chr10-88649972-A-G.
Other names: c.221A>G, p.Asn74Ser (NM_001406559.1, NM_001406560.1, NM_001406561.1 and 23 more transcripts); c.137A>G, p.Asn46Ser (NM_001406584.1, NM_001406585.1, NM_001406586.1 and 2 more transcripts); short protein forms N74S, N46S.
Identifiers: ClinVar variation 1787896 (VCV001787896.2), dbSNP rs2133396691, ClinGen allele CA377447232.

ClinVar aggregate classification (germline): Uncertain significance (1 of 4 stars; one submission).

Conditions:
Hereditary cancer-predisposing syndrome. Also called: Neoplastic Syndromes, Hereditary; Tumor predisposition; Hereditary Cancer Syndrome; Hereditary neoplastic syndrome. Identifiers: Orphanet 140162, MedGen C0027672, MeSH D009386, MONDO:0015356.

Submission:

Ambry Genetics
Classification: Uncertain significance for Hereditary cancer-predisposing syndrome. Last evaluated: 2020-10-08. Review status: criteria provided, single submitter. Criteria: Ambry Variant Classification Scheme 2023. Collection method: clinical testing. Allele origin: germline.
Comment: The p.N74S variant (also known as c.221A>G), located in coding exon 2 of the BMPR1A gene, results from an A to G substitution at nucleotide position 221. The asparagine at codon 74 is replaced by serine, an amino acid with highly similar properties. This amino acid position is highly conserved in available vertebrate species. In addition, the in silico prediction for this alteration is inconclusive. Since supporting evidence is limited at this time, the clinical significance of this alteration remains unclear.